The following is an entry in ClinVar:

NM_000051.4(ATM):c.9132del (p.Leu3045fs)

Genes: ATM (ATM serine/threonine kinase; plus strand), C11orf65 (chromosome 11 open reading frame 65; minus strand). Cytogenetic location: 11q22.3.
Variant type: Deletion.
Coding change: c.9132del on transcript NM_000051.4 (MANE Select); coding-DNA position 9132, one base deleted (T; older notation c.9132delT).
Protein change: p.Leu3045fs; shifts the reading frame from leucine 3045.
Molecular consequence: frameshift variant. On other transcripts: intron variant (2).
Genome position (GRCh38, 1-based): chr11:108,365,469, T deleted. VCF-style (leftmost placement, unchanged base first): chr11-108365468-AT-A. GRCh37 (hg19) VCF-style: chr11-108236195-AT-A.
Other names: c.9132del, p.Leu3045fs (NM_001351834.2); c.640+20451del (NM_001330368.2); c.694+20451del (NM_001351110.2); short protein forms L3045fs.
Identifiers: ClinVar variation 2673925 (VCV002673925.1), dbSNP rs2547686901, ClinGen allele CA2695198979.
Genomic context (GRCh38, chr11:108,365,468, plus strand): 5'-CTGTGCTCAGTGTTGGTGGACAAGTGAATTTGCTCATACAGCAGGCCATAGACCCCAAAA[AT>A]CTCAGCCGACTTTTCCCAGGATGGAAAGCTTGGGTGTGATCTTCAGTATATGAATTACCC-3'

ClinVar aggregate classification (germline): Likely pathogenic (1 of 4 stars; one submission).

Conditions:
Familial cancer of breast. Also called: BREAST CANCER, FAMILIAL; Hereditary breast cancer; hereditary breast carcinoma. Identifiers: Orphanet 227535, MedGen C0346153, MONDO:0016419, OMIM 114480. Disease mechanism: loss of function.

Submission:

Myriad Genetics, Inc.
Classification: Likely pathogenic for Familial cancer of breast. Last evaluated: 2023-11-20. Review status: criteria provided, single submitter. Criteria: Myriad Autosomal Dominant, Autosomal Recessive and X-Linked Classification Criteria (2023). Collection method: clinical testing. Allele origin: unknown.
Comment: This variant is considered likely pathogenic. This variant creates a frameshift predicted to result in the incorporation of abnormal amino acid sequence into the protein product and abnormal protein elongation. Similar variants have been reported in multiple individuals with clinical features of gene-specific disease [PMID: 16266405, 25614872, 15039971, 21965147].

Literature cited by the submitters: PubMed 16266405; PubMed 25614872; PubMed 15039971; PubMed 21965147.